The following is an entry in ClinVar:

NM_001131016.2(CIZ1):c.238C>T (p.Leu80Phe)

Gene: CIZ1 (CDKN1A interacting zinc finger protein 1; minus strand). Cytogenetic location: 9q34.11.
Variant type: single nucleotide variant.
Coding change: c.238C>T on transcript NM_001131016.2 (MANE Select); coding-DNA position 238, C replaced by T.
Protein change: p.Leu80Phe; replaces leucine 80 with phenylalanine.
Molecular consequence: missense variant. On other transcripts: intron variant (1).
Genome position (GRCh38, 1-based): chr9:128,190,377, G>A on the plus strand (C>T on the coding strand, the complement: CIZ1 is on the minus strand). VCF-style: chr9-128190377-G-A. GRCh37 (hg19) VCF-style: chr9-130952656-G-A.
Other names: c.238C>T, p.Leu80Phe (NM_001131015.2, NM_001131017.2, NM_001131018.2 and 1 more transcripts); c.328C>T, p.Leu110Phe (NM_001257975.2); c.-18+311C>T (NM_001257976.2); short protein forms L110F, L80F.
Identifiers: ClinVar variation 2140431 (VCV002140431.4), dbSNP rs766508810, ClinGen allele CA5257650.

ClinVar aggregate classification (germline): Uncertain significance (1 of 4 stars; one submission).

Conditions:
Dystonic disorder. Also called: Dystonia. Identifiers: MedGen C0013421, MONDO:0003441, HP:0001332.

Allele frequency attached by ClinVar (database versions not stated): gnomAD exomes 0.00002; ExAC 0.00006.
gnomAD v4.1: 30 of 1,614,026 alleles (0.0019%); highest among the groups gnomAD compares: East Asian, 0.0022%; no homozygotes.

Submission:

Labcorp Genetics (formerly Invitae), Labcorp
Classification: Uncertain significance for Dystonic disorder. Last evaluated: 2023-01-30. Review status: criteria provided, single submitter. Criteria: Invitae Variant Classification Sherloc (09022015). Collection method: clinical testing. Allele origin: germline.
Comment: This sequence change replaces leucine, which is neutral and non-polar, with phenylalanine, which is neutral and non-polar, at codon 80 of the CIZ1 protein (p.Leu80Phe). In summary, the available evidence is currently insufficient to determine the role of this variant in disease. Therefore, it has been classified as a Variant of Uncertain Significance. Algorithms developed to predict the effect of missense changes on protein structure and function output the following: SIFT: "Deleterious"; PolyPhen-2: "Benign"; Align-GVGD: "Class C15". The phenylalanine amino acid residue is found in multiple mammalian species, which suggests that this missense change does not adversely affect protein function. This variant has not been reported in the literature in individuals affected with CIZ1-related conditions. This variant is present in population databases (rs766508810, gnomAD 0.006%).